The following is an entry in ClinVar:

ClinVar aggregate classification (germline): Benign (1 of 4 stars; one submission).

Conditions:
SHANK3-related disorder. Also called: SHANK3-related condition.

Submission:

PreventionGenetics, part of Exact Sciences
Classification: Benign for SHANK3-related condition. Last evaluated: 2021-05-19. Review status: criteria provided, single submitter. Criteria: ACMG Guidelines, 2015. Collection method: clinical testing. Allele origin: germline.
Comment: This variant is classified as benign based on ACMG/AMP sequence variant interpretation guidelines (Richards et al. 2015 PMID: 25741868, with internal and published modifications).

NM_033517.1:c.891C>T

Gene: SHANK3 (SH3 and multiple ankyrin repeat domains 3; plus strand).
Variant type: single nucleotide variant.
Molecular consequence: synonymous variant (on NM_001372044.2).
Other names: c.891C>T, p.Ser297= (NM_033517.1); c.1116C>T, p.Ser372= (NM_001372044.2).
Identifiers: ClinVar variation 3043015 (VCV003043015.1), dbSNP rs2521416338.